The following is an entry in ClinVar:

ClinVar aggregate classification (germline): Benign/Likely benign. Review status: criteria provided, multiple submitters, no conflicts (2 of 4 stars). 4 submissions from 3 submitters: Benign (1); Likely benign (3). Last evaluated 2017-04-27.

Conditions:
Irido-corneo-trabecular dysgenesis (ASGD5). Also called: ANTERIOR SEGMENT DYSGENESIS 5. Identifiers: Orphanet 708, MedGen C0344559, MONDO:0011414, OMIM 604229, HP:0000659.
Glaucoma 3A. Also called: Glaucoma 3, primary congenital, A. Identifiers: Orphanet 98976, Orphanet 98977, MedGen C1856439, MONDO:0009277, OMIM 231300.

Allele frequency attached by ClinVar (database versions not stated): gnomAD exomes 0.00259 and 0.00627; ExAC 0.00790; gnomAD 0.02286 and 0.02460; 1000 Genomes Project 0.02376; 1000 Genomes Project 30x 0.02530; TOPMed 0.02603; ESP Exome Variant Server 0.02723.

Submissions (4):

Illumina Laboratory Services, Illumina
Classification: Likely benign for Irido-corneo-trabecular dysgenesis. Last evaluated: 2017-04-27. Review status: criteria provided, single submitter. Criteria: ICSL Variant Classification Criteria 13 December 2019. Collection method: clinical testing. Allele origin: germline.
Comment: This variant was observed as part of a predisposition screen in an ostensibly healthy population. A literature search was performed for the gene, cDNA change, and amino acid change (where applicable). No publications were found based on this search. Allele frequency data from public databases allowed determination this variant is unlikely to cause disease. Therefore, this variant is classified as likely benign.

Illumina Laboratory Services, Illumina
Classification: Likely benign for Glaucoma 3A. Last evaluated: 2017-04-27. Review status: criteria provided, single submitter. Criteria: ICSL Variant Classification Criteria 13 December 2019. Collection method: clinical testing. Allele origin: germline.
Comment: the same text as in the submission from Illumina Laboratory Services, Illumina above.

GeneDx
Classification: Benign. Last evaluated: 2015-04-15. Review status: criteria provided, single submitter. Criteria: GeneDx Variant Classification Process June 2021. Collection method: clinical testing. Allele origin: germline. Affected: yes.

Breakthrough Genomics
Classification: Likely benign. Review status: criteria provided, single submitter. Criteria: ACMG Guidelines, 2015. Collection method: not provided. Allele origin: germline. Inheritance: Autosomal recessive inheritance. Affected: yes.

NM_000104.4(CYP1B1):c.-1-14C>T

Gene: CYP1B1 (cytochrome P450 family 1 subfamily B member 1; minus strand). Cytogenetic location: 2p22.2.
Variant type: single nucleotide variant.
Coding change: c.-1-14C>T on transcript NM_000104.4 (MANE Select); 14 bases into the intron before 1 bases upstream of the start codon, C replaced by T.
Molecular consequence: intron variant.
Genome position (GRCh38, 1-based): chr2:38,075,403, G>A on the plus strand (C>T on the coding strand, the complement: CYP1B1 is on the minus strand). VCF-style: chr2-38075403-G-A. GRCh37 (hg19) VCF-style: chr2-38302546-G-A.
Identifiers: ClinVar variation 335957 (VCV000335957.7), dbSNP rs4987134, ClinGen allele CA1620144.